The following is an entry in ClinVar:

ClinVar aggregate classification (germline): Likely benign. Review status: reviewed by expert panel (3 of 4 stars). 6 submissions from 6 submitters: Likely benign (1). 5 of the submissions do not count toward it. Last evaluated 2017-06-29.

Conditions:
BRCA2-related cancer predisposition. Identifiers: MedGen CN377758, MONDO:0700269.
Hereditary cancer-predisposing syndrome. Also called: Tumor predisposition; Hereditary Cancer Syndrome; Hereditary neoplastic syndrome; Neoplastic Syndromes, Hereditary. Identifiers: Orphanet 140162, MedGen C0027672, MeSH D009386, MONDO:0015356.
Hereditary breast ovarian cancer syndrome. Also called: Breast and ovarian cancer; Hereditary breast and ovarian cancer syndrome; Hereditary breast and ovarian cancer; BRCA1- and BRCA2-Associated Hereditary Breast and Ovarian Cancer; Hereditary breast and ovarian cancer syndrome (HBOC); Hereditary breast and/or ovarian cancer syndrome. Identifiers: Orphanet 145, MedGen C0677776, MeSH D061325, MONDO:0003582. Disease mechanism: loss of function.
Breast-ovarian cancer, familial, susceptibility to, 2 (BROVCA2). Also called: BRCA2 Hereditary Breast and Ovarian Cancer. Identifiers: Orphanet 145, MedGen C2675520, MONDO:0012933, OMIM 612555. Disease mechanism: loss of function.

Allele frequency attached by ClinVar (database versions not stated): TOPMed below 0.00001; gnomAD exomes 0.00001.
gnomAD v4.1: 7 of 1,605,142 alleles (0.00044%); highest among the groups gnomAD compares: Non-Finnish European, 0.00059%; no homozygotes.

Submissions (6):

Evidence-based Network for the Interpretation of Germline Mutant Alleles (ENIGMA)
Classification: Likely benign for Breast-ovarian cancer, familial, susceptibility to, 2. Last evaluated: 2017-06-29. Review status: reviewed by expert panel. Criteria: ENIGMA BRCA1/2 Classification Criteria (2017-06-29). Collection method: curation. Allele origin: germline.
Comment: Synonymous substitution variant, with low bioinformatic likelihood to result in a splicing aberration (Splicing prior probability 0.02).

Labcorp Genetics (formerly Invitae), Labcorp
Classification: Likely benign for Hereditary breast ovarian cancer syndrome. Last evaluated: 2026-01-05. Review status: criteria provided, single submitter. Criteria: Invitae Variant Classification Sherloc (09022015). Collection method: clinical testing. Allele origin: germline. Not counted in ClinVar's aggregate classification.

All of Us Research Program, National Institutes of Health
Classification: Likely benign for BRCA2-related cancer predisposition. Last evaluated: 2024-05-14. Review status: criteria provided, single submitter. Criteria: ACMG Guidelines, 2015. Collection method: clinical testing. Allele origin: germline. Inheritance: Autosomal dominant inheritance. Observed: 1 variant allele, 1 heterozygote. Not counted in ClinVar's aggregate classification.
Comment: This study involves interpretation of variants in research participants for the purpose of population health screening. Participant phenotype was not available at the time of variant classification. Additional details can be found in publication PMID: 35346344, PMCID: PMC8962531

Women's Health and Genetics/Laboratory Corporation of America, LabCorp
Classification: Likely benign. Last evaluated: 2022-04-08. Review status: criteria provided, single submitter. Criteria: LabCorp Variant Classification Summary - May 2015. Collection method: clinical testing. Allele origin: germline. Not counted in ClinVar's aggregate classification.

Color Diagnostics, LLC DBA Color Health
Classification: Likely benign for Hereditary cancer-predisposing syndrome. Last evaluated: 2018-06-26. Review status: criteria provided, single submitter. Criteria: ACMG Guidelines, 2015. Collection method: clinical testing. Allele origin: germline. Not counted in ClinVar's aggregate classification.

Ambry Genetics
Classification: Likely benign for Hereditary cancer-predisposing syndrome. Last evaluated: 2014-12-23. Review status: criteria provided, single submitter. Criteria: Ambry Variant Classification Scheme 2023. Collection method: clinical testing. Allele origin: germline. Not counted in ClinVar's aggregate classification.

NM_000059.4(BRCA2):c.2703T>A (p.Leu901=)

Gene: BRCA2 (BRCA2 DNA repair associated; plus strand). Cytogenetic location: 13q13.1.
Variant type: single nucleotide variant.
Coding change: c.2703T>A on transcript NM_000059.4 (MANE Select); coding-DNA position 2703, T replaced by A.
Protein change: p.Leu901=; no amino-acid change (leucine 901 retained).
Molecular consequence: synonymous variant.
Genome position (GRCh38, 1-based): chr13:32,337,058, T>A. VCF-style: chr13-32337058-T-A. GRCh37 (hg19) VCF-style: chr13-32911195-T-A.
Identifiers: ClinVar variation 184698 (VCV000184698.21), dbSNP rs786201627, ClinGen allele CA016141.
Genomic context (GRCh38, chr13:32,337,058, plus strand): 5'-ACTTTTCTCAGACAATGAGAATAATTTTGTCTTCCAAGTAGCTAATGAAAGGAATAATCT[T>A]GCTTTAGGAAATACTAAGGAACTTCATGAAACAGACTTGACTTGTGTAAACGAACCCATT-3'
Protein context (NP_000050.3, residues 891-911): VFQVANERNN[Leu901=]ALGNTKELHE